The following is an entry in ClinVar:

ClinVar aggregate classification (germline): Likely pathogenic (1 of 4 stars; one submission).

Conditions:
Pallister-Hall syndrome (PHS). Also called: GLI3-Related Pallister-Hall Syndrome; HYPOTHALAMIC HAMARTOBLASTOMA, HYPOPITUITARISM, IMPERFORATE ANUS, AND POSTAXIAL POLYDACTYLY. Identifiers: Orphanet 672, MedGen C0265220, MONDO:0007804, OMIM 146510.
Greig cephalopolysyndactyly syndrome (GCPS). Also called: POLYSYNDACTYLY WITH PECULIAR SKULL SHAPE; Greig syndrome; GLI3-Related Greig Cephalopolysyndactyly Syndrome. Identifiers: Orphanet 380, MedGen C0265306, MONDO:0008287, OMIM 175700.

Submission:

Labcorp Genetics (formerly Invitae), Labcorp
Classification: Likely pathogenic for Pallister-Hall syndrome; Greig cephalopolysyndactyly syndrome. Last evaluated: 2025-05-19. Review status: criteria provided, single submitter. Criteria: Invitae Variant Classification Sherloc (09022015). Collection method: clinical testing. Allele origin: germline.
Comment: This sequence change creates a premature translational stop signal (p.Thr1540Argfs*13) in the GLI3 gene. While this is not anticipated to result in nonsense mediated decay, it is expected to disrupt the last 41 amino acid(s) of the GLI3 protein. This variant is not present in population databases (gnomAD no frequency). This premature translational stop signal has been observed in individual(s) with clinical features of autosomal dominant GLI3-related conditions (internal data). It has also been observed to segregate with disease in related individuals. In summary, the currently available evidence indicates that the variant is pathogenic, but additional data are needed to prove that conclusively. Therefore, this variant has been classified as Likely Pathogenic.

NM_000168.6(GLI3):c.4617del (p.Thr1540fs)

Gene: GLI3 (GLI family zinc finger 3; minus strand). Cytogenetic location: 7p14.1.
Variant type: Deletion.
Coding change: c.4617del on transcript NM_000168.6 (MANE Select); coding-DNA position 4617, one base deleted (C; older notation c.4617delC).
Protein change: p.Thr1540fs; shifts the reading frame from threonine 1540.
Molecular consequence: frameshift variant.
Genome position (GRCh38, 1-based): chr7:41,964,456, G deleted on the plus strand (C on the coding strand, the reverse complement: GLI3 is on the minus strand); the first of 2 consecutive G bases (chr7:41,964,456-41,964,457); deleting either gives the same sequence. VCF-style (leftmost placement, unchanged base first): chr7-41964455-TG-T. GRCh37 (hg19) VCF-style: chr7-42004053-TG-T.
Other names: short protein forms T1540fs.
Identifiers: ClinVar variation 4784340 (VCV004784340.1).